The following is an entry in ClinVar:

NM_018109.4(MTPAP):c.468G>C (p.Gln156His)

Gene: MTPAP (mitochondrial poly(A) polymerase; minus strand). Cytogenetic location: 10p11.23.
Variant type: single nucleotide variant.
Coding change: c.468G>C on transcript NM_018109.4 (MANE Select); coding-DNA position 468, G replaced by C.
Protein change: p.Gln156His; replaces glutamine 156 with histidine.
Molecular consequence: missense variant.
Genome position (GRCh38, 1-based): chr10:30,340,313, C>G on the plus strand (G>C on the coding strand, the complement: MTPAP is on the minus strand). VCF-style: chr10-30340313-C-G. GRCh37 (hg19) VCF-style: chr10-30629242-C-G.
Other names: short protein forms Q156H.
Identifiers: ClinVar variation 805055 (VCV000805055.5), dbSNP rs547303023, ClinGen allele CA5459187.
Genomic context (GRCh38, chr10:30,340,313, plus strand): 5'-AAGCTGCTTGTTTGAACGTGGCAACTGATTACTTGACCGTACGCGTGACCGTTCAGAAGT[C>G]TGGTTTTTCAACTTCAGATTGAAGAAACGTGATCTGAATGGAATTGCAGTCTCCATGGCC-3'
Protein context (NP_060579.3, residues 146-166): SRFFNLKLKN[Gln156His]TSERSRVRSS

ClinVar aggregate classification (germline): Uncertain significance. Review status: criteria provided, multiple submitters, no conflicts (2 of 4 stars). 3 submissions from 3 submitters: Uncertain significance (3). Last evaluated 2024-09-20.

Conditions:
Spastic ataxia 4. Identifiers: Orphanet 254343, MedGen C3150925, MONDO:0013354, OMIM 613672.

Allele frequency attached by ClinVar (database versions not stated): ExAC 0.00002; gnomAD 0.00003; gnomAD exomes 0.00003 and 0.00004; TOPMed 0.00003; 1000 Genomes Project 30x 0.00016; 1000 Genomes Project 0.00020.
gnomAD v4.1: 60 of 1,614,160 alleles (0.0037%); highest among the groups gnomAD compares: Admixed American, 0.005%; no homozygotes.

Submissions (3):

Athena Diagnostics
Classification: Uncertain significance. Last evaluated: 2024-09-20. Review status: criteria provided, single submitter. Criteria: Athena Diagnostics Criteria. Collection method: clinical testing. Allele origin: unknown.
Comment: Available data are insufficient to determine the clinical significance of the variant at this time. The frequency of this variant in the general population is uninformative in assessment of its pathogenicity. Polyphen and MutationTaster predict this amino acid change may be benign.

Labcorp Genetics (formerly Invitae), Labcorp
Classification: Uncertain significance. Last evaluated: 2022-07-06. Review status: criteria provided, single submitter. Criteria: Invitae Variant Classification Sherloc (09022015). Collection method: clinical testing. Allele origin: germline.
Comment: This sequence change replaces glutamine, which is neutral and polar, with histidine, which is basic and polar, at codon 156 of the MTPAP protein (p.Gln156His). This variant is present in population databases (rs547303023, gnomAD 0.006%). This variant has not been reported in the literature in individuals affected with MTPAP-related conditions. ClinVar contains an entry for this variant (Variation ID: 805055). Algorithms developed to predict the effect of missense changes on protein structure and function are either unavailable or do not agree on the potential impact of this missense change (SIFT: "Deleterious"; PolyPhen-2: "Benign"; Align-GVGD: "Class C0"). In summary, the available evidence is currently insufficient to determine the role of this variant in disease. Therefore, it has been classified as a Variant of Uncertain Significance.

Baylor Genetics
Classification: Uncertain significance for Spastic ataxia 4. Last evaluated: 2018-09-28. Review status: criteria provided, single submitter. Criteria: ACMG Guidelines, 2015. Collection method: clinical testing. Allele origin: unknown. Affected: yes.
Comment: This variant was determined to be of uncertain significance according to ACMG Guidelines, 2015 [PMID:25741868].